The following is an entry in ClinVar:

NM_170707.4(LMNA):c.356+2T>A

Gene: LMNA (lamin A/C; plus strand). Cytogenetic location: 1q22.
Variant type: single nucleotide variant.
Coding change: c.356+2T>A on transcript NM_170707.4 (MANE Select); the canonical splice donor site of the intron after coding-DNA position 356, T replaced by A.
Molecular consequence: splice donor variant. On other transcripts: intron variant (2).
Genome position (GRCh38, 1-based): chr1:156,115,276, T>A. VCF-style: chr1-156115276-T-A. GRCh37 (hg19) VCF-style: chr1-156085067-T-A.
Other names: c.356+2T>A (NM_001406983.1, NM_001282625.2, NM_001406984.1 and 6 more transcripts); c.-46+2T>A (NM_001407002.1, NM_001406995.1, NM_001406990.1); c.-203+8453T>A (NM_001406993.1, NM_001407003.1); c.-489+2T>A (NM_001406999.1); c.-68+2T>A (NM_001406986.1); c.-309+2T>A (NM_001407000.1, NM_001406994.1); c.-152+2T>A (NM_001407001.1).
Identifiers: ClinVar variation 2705963 (VCV002705963.3), dbSNP rs2527835305, ClinGen allele CA342808912.

ClinVar aggregate classification (germline): Pathogenic (1 of 4 stars; one submission).

Conditions:
Charcot-Marie-Tooth disease type 2. Also called: Charcot-Marie-Tooth type 2. Identifiers: Orphanet 64746, MedGen C0270914, MONDO:0018993.

Submission:

Labcorp Genetics (formerly Invitae), Labcorp
Classification: Pathogenic for Charcot-Marie-Tooth disease type 2. Last evaluated: 2023-12-27. Review status: criteria provided, single submitter. Criteria: Invitae Variant Classification Sherloc (09022015). Collection method: clinical testing. Allele origin: germline.
Comment: This sequence change affects a donor splice site in intron 1 of the LMNA gene. It is expected to disrupt RNA splicing. Variants that disrupt the donor or acceptor splice site typically lead to a loss of protein function (PMID: 16199547), and loss-of-function variants in LMNA are known to be pathogenic (PMID: 18585512, 18926329). This variant is not present in population databases (gnomAD no frequency). Disruption of this splice site has been observed in individual(s) with autosomal dominant LMNA-related conditions (PMID: 27532257, 36293084). It has also been observed to segregate with disease in related individuals. Algorithms developed to predict the effect of sequence changes on RNA splicing suggest that this variant may disrupt the consensus splice site. For these reasons, this variant has been classified as Pathogenic.

Literature cited by the submitters: PubMed 16199547; PubMed 18585512; PubMed 18926329; PubMed 27532257; PubMed 36293084.